The following is an entry in ClinVar:

NM_001040108.2(MLH3):c.3116C>A (p.Thr1039Lys)

Gene: MLH3 (mutL homolog 3; minus strand). Cytogenetic location: 14q24.3.
Variant type: single nucleotide variant.
Coding change: c.3116C>A on transcript NM_001040108.2 (MANE Select); coding-DNA position 3116, C replaced by A.
Protein change: p.Thr1039Lys; replaces threonine 1039 with lysine.
Molecular consequence: missense variant.
Genome position (GRCh38, 1-based): chr14:75,046,540, G>T on the plus strand (C>A on the coding strand, the complement: MLH3 is on the minus strand). VCF-style: chr14-75046540-G-T. GRCh37 (hg19) VCF-style: chr14-75513243-G-T.
Other names: c.3116C>A, p.Thr1039Lys (NM_014381.3); short protein forms T1039K.
Identifiers: ClinVar variation 1727802 (VCV001727802.2), dbSNP rs775868843, ClinGen allele CA390436173.

ClinVar aggregate classification (germline): Uncertain significance (1 of 4 stars; one submission).

Submission:

Ambry Genetics
Classification: Uncertain significance. Last evaluated: 2022-09-04. Review status: criteria provided, single submitter. Criteria: Ambry Variant Classification Scheme 2023. Collection method: clinical testing. Allele origin: germline.
Comment: The p.T1039K variant (also known as c.3116C>A), located in coding exon 1 of the MLH3 gene, results from a C to A substitution at nucleotide position 3116. The threonine at codon 1039 is replaced by lysine, an amino acid with similar properties. This amino acid position is conserved. In addition, this alteration is predicted to be tolerated by in silico analysis. Since supporting evidence is limited at this time, the clinical significance of this alteration remains unclear.